The following is an entry in ClinVar:

NM_172107.4(KCNQ2):c.356A>G (p.Glu119Gly)

Gene: KCNQ2 (potassium voltage-gated channel subfamily Q member 2; minus strand). Cytogenetic location: 20q13.33.
Variant type: single nucleotide variant.
Coding change: c.356A>G on transcript NM_172107.4 (MANE Select); coding-DNA position 356, A replaced by G.
Protein change: p.Glu119Gly; replaces glutamic acid 119 with glycine.
Molecular consequence: missense variant.
Genome position (GRCh38, 1-based): chr20:63,446,778, T>C on the plus strand (A>G on the coding strand, the complement: KCNQ2 is on the minus strand). VCF-style: chr20-63446778-T-C. GRCh37 (hg19) VCF-style: chr20-62078131-T-C.
Other names: c.356A>G, p.Glu119Gly (NM_004518.6, NM_172106.3, NM_172108.5 and 1 more transcripts); short protein forms E119G.
Identifiers: ClinVar variation 21786 (VCV000021786.2), dbSNP rs118192193, ClinGen allele CA342506.
Genomic context (GRCh38, chr20:63,446,778, plus strand): 5'-TCCAGCCCCCGCCCTCCCTCGGGGCTCACCAGGATGTAGAGGGCCCCCTCCGAGCTCTTC[T>C]CATACTCCTTGATGGTGGAAAACACAGACAGCACGAGGCAGGAGAAAACCAGGAGGAACC-3'
Protein context (NP_742105.1, residues 109-129): LSVFSTIKEY[Glu119Gly]KSSEGALYIL

ClinVar aggregate classification (germline): not provided (0 of 4 stars; one submission).

Conditions:
Seizures, benign familial neonatal, 1. Also called: Benign Neonatal Epilepsy 1; KCNQ2-Related Benign Familial Neonatal Epilepsy; KCNQ2-Related Self-Limited Familial Neonatal Epilepsy (SLFNE); Seizures, benign neonatal, 1. Identifiers: Orphanet 1949, MedGen C3149074, MONDO:0007365, OMIM 121200.

Submission:

GeneReviews
No classification provided. Condition: Seizures, benign familial neonatal, 1. Review status: no classification provided. Collection method: literature only. Allele origin: germline. Affected: yes.
Comment: BFNE (benign familial neonatal epilepsy)

Functional effect: Slight rightward shift in current voltage-dependence in the sub-threshold region; Slight decrease in current activation kinetics

Literature cited by the submitters: PubMed 18006581; NCBI Bookshelf NBK32534.